The following is an entry in ClinVar:

ClinVar aggregate classification (germline): Likely pathogenic (1 of 4 stars; one submission).

Conditions:
Marfan syndrome (MFS). Also called: FBN1-Related Marfan Syndrome; MARFAN SYNDROME, TYPE I; Marfan syndrome type 1; Marfan's syndrome; Marfan syndrome, classic. Identifiers: Orphanet 284963, Orphanet 558, MedGen C0024796, MONDO:0007947, OMIM 154700.

Submission:

MVZ Martinsried, Medicover Genetics
Classification: Likely pathogenic for Marfan syndrome. Last evaluated: 2025-11-11. Review status: criteria provided, single submitter. Criteria: ClinGen Variant Curation SOP V3.2 + Classification Guidance July2025. Collection method: clinical testing. Allele origin: inherited. Affected: yes. Observed: 1 heterozygote.
Comment: PM1, PM2_PP, PP3, PP2, PP1

NM_000138.5(FBN1):c.1599G>C (p.Glu533Asp)

Gene: FBN1 (fibrillin 1; minus strand). Cytogenetic location: 15q21.1.
Variant type: single nucleotide variant.
Coding change: c.1599G>C on transcript NM_000138.5 (MANE Select); coding-DNA position 1599, G replaced by C.
Protein change: p.Glu533Asp; replaces glutamic acid 533 with aspartic acid.
Molecular consequence: missense variant.
Genome position (GRCh38, 1-based): chr15:48,510,159, C>G on the plus strand (G>C on the coding strand, the complement: FBN1 is on the minus strand). VCF-style: chr15-48510159-C-G. GRCh37 (hg19) VCF-style: chr15-48802356-C-G.
Other names: c.1599G>C, p.Glu533Asp (NM_001406716.1); short protein forms E533D.
Identifiers: ClinVar variation 4795157 (VCV004795157.1).